The following is an entry in ClinVar:

ClinVar aggregate classification (germline): Uncertain significance (1 of 4 stars; one submission).

Submission:

Women's Health and Genetics/Laboratory Corporation of America, LabCorp
Classification: Uncertain significance. Last evaluated: 2025-04-16. Review status: criteria provided, single submitter. Criteria: LabCorp Variant Classification Summary - May 2015. Collection method: clinical testing. Allele origin: germline.
Comment: Variant summary: ALPL c.622C>G (p.Leu208Val) results in a conservative amino acid change in the encoded protein sequence. Four of five in-silico tools predict a damaging effect of the variant on protein function. The variant was absent in 251116 control chromosomes. The available data on variant occurrences in the general population are insufficient to allow any conclusion about variant significance. To our knowledge, no occurrence of c.622C>G in individuals affected with Hypophosphatasia and no experimental evidence demonstrating its impact on protein function have been reported. No submitters have cited clinical-significance assessments for this variant to ClinVar. Based on the evidence outlined above, the variant was classified as uncertain significance.

NM_000478.6(ALPL):c.622C>G (p.Leu208Val)

Gene: ALPL (alkaline phosphatase, biomineralization associated; plus strand). Cytogenetic location: 1p36.12.
Variant type: single nucleotide variant.
Coding change: c.622C>G on transcript NM_000478.6 (MANE Select); coding-DNA position 622, C replaced by G.
Protein change: p.Leu208Val; replaces leucine 208 with valine.
Molecular consequence: missense variant.
Genome position (GRCh38, 1-based): chr1:21,564,190, C>G. VCF-style: chr1-21564190-C-G. GRCh37 (hg19) VCF-style: chr1-21890683-C-G.
Other names: c.457C>G, p.Leu153Val (NM_001127501.4); c.391C>G, p.Leu131Val (NM_001177520.3); c.622C>G, p.Leu208Val (NM_001369803.2, NM_001369804.2, NM_001369805.2); short protein forms L131V, L153V, L208V.
Identifiers: ClinVar variation 3896222 (VCV003896222.2).